The following is an entry in ClinVar:

ClinVar aggregate classification (germline): Uncertain significance. Review status: criteria provided, multiple submitters, no conflicts (2 of 4 stars). 2 submissions from 2 submitters: Uncertain significance (2). Last evaluated 2022-07-27.

Conditions:
Cone-rod dystrophy 6 (CORD6). Also called: Cone dystrophy progressive; RETINAL CONE DYSTROPHY 2. Identifiers: Orphanet 1872, MedGen C1866293, MONDO:0011143, OMIM 601777.
Leber congenital amaurosis 1 (LCA1). Also called: AMAUROSIS CONGENITA OF LEBER I; Congenital absence of the rods and cones; Leber's congenital tapetoretinal degeneration; Leber's congenital tapetoretinal dysplasia; RETINAL BLINDNESS, CONGENITAL. Identifiers: Orphanet 65, MedGen C2931258, MONDO:0008764, OMIM 204000.

Allele frequency attached by ClinVar (database versions not stated): TOPMed below 0.00001; gnomAD 0.00001.
gnomAD v4.1: 13 of 1,466,254 alleles (0.00089%); highest among the groups gnomAD compares: Non-Finnish European, 0.0012%; no homozygotes.

Submissions (2):

Blueprint Genetics
Classification: Uncertain significance. Last evaluated: 2022-07-27. Review status: criteria provided, single submitter. Criteria: ACMG Guidelines, 2015. Collection method: clinical testing. Allele origin: germline.

Labcorp Genetics (formerly Invitae), Labcorp
Classification: Uncertain significance for Leber congenital amaurosis 1; Cone-rod dystrophy 6. Last evaluated: 2022-06-27. Review status: criteria provided, single submitter. Criteria: Invitae Variant Classification Sherloc (09022015). Collection method: clinical testing. Allele origin: germline.
Comment: This sequence change replaces arginine, which is basic and polar, with leucine, which is neutral and non-polar, at codon 106 of the GUCY2D protein (p.Arg106Leu). This variant is present in population databases (no rsID available, gnomAD 0.005%). This variant has not been reported in the literature in individuals affected with GUCY2D-related conditions. Algorithms developed to predict the effect of missense changes on protein structure and function output the following: SIFT: "Tolerated"; PolyPhen-2: "Benign"; Align-GVGD: "Class C0". The leucine amino acid residue is found in multiple mammalian species, which suggests that this missense change does not adversely affect protein function. In summary, the available evidence is currently insufficient to determine the role of this variant in disease. Therefore, it has been classified as a Variant of Uncertain Significance.

NM_000180.4(GUCY2D):c.317G>T (p.Arg106Leu)

Gene: GUCY2D (guanylate cyclase 2D, retinal; plus strand). Cytogenetic location: 17p13.1.
Variant type: single nucleotide variant.
Coding change: c.317G>T on transcript NM_000180.4 (MANE Select); coding-DNA position 317, G replaced by T.
Protein change: p.Arg106Leu; replaces arginine 106 with leucine.
Molecular consequence: missense variant.
Genome position (GRCh38, 1-based): chr17:8,003,364, G>T. VCF-style: chr17-8003364-G-T. GRCh37 (hg19) VCF-style: chr17-7906682-G-T.
Other names: short protein forms R106L.
Identifiers: ClinVar variation 2416589 (VCV002416589.4), dbSNP rs772514611, ClinGen allele CA397943180.